The following is an entry in ClinVar:

ClinVar aggregate classification (germline): Likely pathogenic (1 of 4 stars; one submission).

Conditions:
Ataxia-telangiectasia syndrome (AT). Also called: LOUIS-BAR SYNDROME; Cerebello-oculocutaneous telangiectasia; Immunodeficiency with ataxia telangiectasia; Ataxia-telangiectasia, complementation group D; AT, COMPLEMENTATION GROUP C; ATAXIA-TELANGIECTASIA, COMPLEMENTATION GROUP A. Identifiers: Orphanet 100, MedGen C0004135, MONDO:0008840, OMIM 208900.

Submission:

Natera, Inc.
Classification: Likely pathogenic for Ataxia-telangiectasia. Last evaluated: 2024-05-06. Review status: criteria provided, single submitter. Criteria: Natera Variant Classification Schema (03/2026). Collection method: clinical testing. Allele origin: germline.
Comment: The c.6858T>A variant in ATM is a nonsense variant predicted to introduce a stop codon at amino acid 2286. This variant is expected to result in nonsense mediated decay, truncation, or a dysfunctional protein product. This variant is rare in the general population with a frequency below the threshold expected for the associated phenotype(s). Given the available evidence, this variant is classified as Likely Pathogenic.

NM_000051.4(ATM):c.6858T>A (p.Cys2286Ter)

Genes: ATM (ATM serine/threonine kinase; plus strand), C11orf65 (chromosome 11 open reading frame 65; minus strand). Cytogenetic location: 11q22.3.
Variant type: single nucleotide variant.
Coding change: c.6858T>A on transcript NM_000051.4 (MANE Select); coding-DNA position 6858, T replaced by A.
Protein change: p.Cys2286Ter; replaces cysteine 2286 with a stop codon.
Molecular consequence: nonsense. On other transcripts: intron variant (2).
Genome position (GRCh38, 1-based): chr11:108,326,108, T>A. VCF-style: chr11-108326108-T-A. GRCh37 (hg19) VCF-style: chr11-108196835-T-A.
Other names: c.6858T>A, p.Cys2286Ter (NM_001351834.2); c.641-17037A>T (NM_001330368.2); c.*38+9112A>T (NM_001351110.2); short protein forms C2286*.
Identifiers: ClinVar variation 4814681 (VCV004814681.1).